The following is an entry in ClinVar:

NM_000702.4(ATP1A2):c.631-282A>G

Genes: ATP1A2 (ATPase Na+/K+ transporting subunit alpha 2; plus strand), LOC126805890 (CDK7 strongly-dependent group 2 enhancer GRCh37_chr1:160093987-160095186; plus strand). Cytogenetic location: 1q23.2.
Variant type: single nucleotide variant.
Coding change: c.631-282A>G on transcript NM_000702.4 (MANE Select); 282 bases into the intron before coding-DNA position 631, A replaced by G.
Molecular consequence: intron variant.
Genome position (GRCh38, 1-based): chr1:160,124,854, A>G. VCF-style: chr1-160124854-A-G. GRCh37 (hg19) VCF-style: chr1-160094644-A-G.
Other names: NC_000001.10:g.160094644A>G.
Identifiers: ClinVar variation 668018 (VCV000668018.2), dbSNP rs1023421, ClinGen allele CA10688680.

ClinVar aggregate classification (germline): Benign (1 of 4 stars; one submission).

Allele frequency attached by ClinVar (database versions not stated): gnomAD 0.56596 and 0.57131; 1000 Genomes Project 30x 0.54934; TOPMed 0.55111; 1000 Genomes Project 0.55751.
gnomAD v4.1: 86,921 of 152,078 alleles (57%); highest among the groups gnomAD compares: South Asian, 74%; 25,494 homozygotes.

Submissions (2):

GeneDx
Classification: Benign. Last evaluated: 2018-06-18. Review status: criteria provided, single submitter. Criteria: GeneDx Variant Classification (06012015). Collection method: clinical testing. Allele origin: germline. Affected: yes.
Comment: This variant is considered likely benign or benign based on one or more of the following criteria: it is a conservative change, it occurs at a poorly conserved position in the protein, it is predicted to be benign by multiple in silico algorithms, and/or has population frequency not consistent with disease.

Dr. Peter K. Rogan Lab, Western University
No classification provided (evidence only). Condition: Gastric cancer. Review status: no classification provided. Collection method: in vitro. Allele origin: not applicable. Functional consequence: retained intron. Not counted in ClinVar's aggregate classification.